The following is an entry in ClinVar:

ClinVar aggregate classification (germline): Uncertain significance (1 of 4 stars; one submission).

Submission:

GeneDx
Classification: Uncertain significance. Last evaluated: 2021-03-16. Review status: criteria provided, single submitter. Criteria: GeneDx Variant Classification Process June 2021. Collection method: clinical testing. Allele origin: germline. Affected: yes.
Comment: Not observed in large population cohorts (Lek 2016); In silico analysis supports that this missense variant does not alter protein structure/function; Has not been previously published as pathogenic or benign to our knowledge; Also known as 722T>C

NM_000059.4(BRCA2):c.494T>C (p.Phe165Ser)

Gene: BRCA2 (BRCA2 DNA repair associated; plus strand). Cytogenetic location: 13q13.1.
Variant type: single nucleotide variant.
Coding change: c.494T>C on transcript NM_000059.4 (MANE Select); coding-DNA position 494, T replaced by C.
Protein change: p.Phe165Ser; replaces phenylalanine 165 with serine.
Molecular consequence: missense variant.
Genome position (GRCh38, 1-based): chr13:32,326,260, T>C. VCF-style: chr13-32326260-T-C. GRCh37 (hg19) VCF-style: chr13-32900397-T-C.
Other names: short protein forms F165S.
Identifiers: ClinVar variation 1320488 (VCV001320488.2), dbSNP rs2137450453, ClinGen allele CA387757675.